The following is an entry in ClinVar:

NM_001374828.1(ARID1B):c.4995G>A (p.Thr1665=)

Gene: ARID1B (AT-rich interaction domain 1B; plus strand). Cytogenetic location: 6q25.3.
Variant type: single nucleotide variant.
Coding change: c.4995G>A on transcript NM_001374828.1 (MANE Select); coding-DNA position 4995, G replaced by A.
Protein change: p.Thr1665=; no amino-acid change (threonine 1665 retained).
Molecular consequence: synonymous variant.
Genome position (GRCh38, 1-based): chr6:157,201,220, G>A. VCF-style: chr6-157201220-G-A. GRCh37 (hg19) VCF-style: chr6-157522354-G-A.
Other names: c.4746G>A, p.Thr1582= (NM_001346813.1); c.2496G>A, p.Thr832= (NM_001363725.2); c.4875G>A, p.Thr1625= (NM_001371656.1, NM_001374820.1); c.4836G>A, p.Thr1612= (NM_017519.3); c.4626G>A, p.Thr1542= (NM_020732.3); c.4413G>A, p.Thr1471= (NM_175863.2).
Identifiers: ClinVar variation 2781082 (VCV002781082.6), dbSNP rs527651886, ClinGen allele CA4067746.

ClinVar aggregate classification (germline): Benign/Likely benign. Review status: criteria provided, multiple submitters, no conflicts (2 of 4 stars). 3 submissions from 3 submitters: Benign (1); Likely benign (1). 1 of the submissions does not count toward it. Last evaluated 2024-02-07.

Conditions:
ARID1B-Related Disorder. Identifiers: MedGen CN381337.

Allele frequency attached by ClinVar (database versions not stated): gnomAD 0.00001; gnomAD exomes 0.00002; ExAC 0.00007; 1000 Genomes Project 30x 0.00016; 1000 Genomes Project 0.00020.
gnomAD v4.1: 37 of 1,613,730 alleles (0.0023%); highest among the groups gnomAD compares: South Asian, 0.032%; no homozygotes.

Submissions (3):

Blueprint Genetics
Classification: Likely benign. Last evaluated: 2024-02-07. Review status: criteria provided, single submitter. Criteria: ACMG Guidelines, 2015. Collection method: clinical testing. Allele origin: germline.

Labcorp Genetics (formerly Invitae), Labcorp
Classification: Benign. Last evaluated: 2023-01-14. Review status: criteria provided, single submitter. Criteria: Invitae Variant Classification Sherloc (09022015). Collection method: clinical testing. Allele origin: germline.

PreventionGenetics, part of Exact Sciences
Classification: Likely benign for ARID1B-related condition. Last evaluated: 2024-02-20. Review status: no assertion criteria provided. Collection method: clinical testing. Allele origin: germline. Not counted in ClinVar's aggregate classification.
Comment: This variant is classified as likely benign based on ACMG/AMP sequence variant interpretation guidelines (Richards et al. 2015 PMID: 25741868, with internal and published modifications).